The following is an entry in ClinVar:

ClinVar aggregate classification (germline): Uncertain significance (1 of 4 stars; one submission).

Submission:

Labcorp Genetics (formerly Invitae), Labcorp
Classification: Uncertain significance. Last evaluated: 2022-04-23. Review status: criteria provided, single submitter. Criteria: Invitae Variant Classification Sherloc (09022015). Collection method: clinical testing. Allele origin: germline.
Comment: Variants that disrupt the consensus splice site are a relatively common cause of aberrant splicing (PMID: 17576681, 9536098). Algorithms developed to predict the effect of sequence changes on RNA splicing suggest that this variant is not likely to affect RNA splicing. In summary, the available evidence is currently insufficient to determine the role of this variant in disease. Therefore, it has been classified as a Variant of Uncertain Significance. This variant has not been reported in the literature in individuals affected with XPO5-related conditions. This variant is not present in population databases (gnomAD no frequency). This sequence change falls in intron 4 of the XPO5 gene. It does not directly change the encoded amino acid sequence of the XPO5 protein. It affects a nucleotide within the consensus splice site.

Literature cited by the submitters: PubMed 17576681; PubMed 9536098.

NM_020750.3(XPO5):c.438+4T>C

Gene: XPO5 (exportin 5; minus strand). Cytogenetic location: 6p21.1.
Variant type: single nucleotide variant.
Coding change: c.438+4T>C on transcript NM_020750.3 (MANE Select); 4 bases into the intron after coding-DNA position 438, T replaced by C.
Molecular consequence: intron variant.
Genome position (GRCh38, 1-based): chr6:43,570,853, A>G on the plus strand (T>C on the coding strand, the complement: XPO5 is on the minus strand). VCF-style: chr6-43570853-A-G. GRCh37 (hg19) VCF-style: chr6-43538590-A-G.
Identifiers: ClinVar variation 2129516 (VCV002129516.4), dbSNP rs2532264733, ClinGen allele CA2580074666.